The following is an entry in ClinVar:

NM_000543.5(SMPD1):c.999C>T (p.Phe333=)

Gene: SMPD1 (sphingomyelin phosphodiesterase 1; plus strand). Cytogenetic location: 11p15.4.
Variant type: single nucleotide variant.
Coding change: c.999C>T on transcript NM_000543.5 (MANE Select); coding-DNA position 999, C replaced by T.
Protein change: p.Phe333=; no amino-acid change (phenylalanine 333 retained).
Molecular consequence: synonymous variant. On other transcripts: missense variant (1), non-coding transcript variant (1).
Genome position (GRCh38, 1-based): chr11:6,392,064, C>T. VCF-style: chr11-6392064-C-T. GRCh37 (hg19) VCF-style: chr11-6413294-C-T.
Other names: c.996C>T, p.Phe332= (NM_001007593.3); c.999C>T, p.Phe333= (NM_001318087.2, NM_001365135.2); c.38C>T, p.Ser13Leu (NM_001318088.2); c.38C>T (NM_001318088.1); short protein forms S13L.
Identifiers: ClinVar variation 754253 (VCV000754253.13), dbSNP rs774790917, ClinGen allele CA5852726.

ClinVar aggregate classification (germline): Conflicting classifications of pathogenicity. Review status: criteria provided, conflicting classifications (1 of 4 stars). 3 submissions from 3 submitters: Uncertain significance (1); Likely benign (2). Last evaluated 2025-08-24.

Conditions:
SMPD1-related disorder. Also called: SMPD1-related condition.
Niemann-Pick disease, type A. Also called: SPHINGOMYELIN LIPIDOSIS; SPHINGOMYELINASE DEFICIENCY; Infantile Neurovisceral ASMD (Niemann-Pick Disease Type A; NPD-A). Identifiers: Orphanet 77292, MedGen C0268242, MONDO:0009756, OMIM 257200. Disease mechanism: loss of function.
Niemann-Pick disease, type B. Also called: Chronic Visceral ASMD (Niemann-Pick Disease Type B; NPD-B). Identifiers: Orphanet 77293, MedGen C0268243, MONDO:0011871, OMIM 607616. Disease mechanism: loss of function.

Allele frequency attached by ClinVar (database versions not stated): gnomAD 0.00001; gnomAD exomes 0.00001; TOPMed 0.00001; ExAC 0.00002.

Submissions (3):

PreventionGenetics, part of Exact Sciences
Classification: Uncertain significance for SMPD1-related condition. Last evaluated: 2025-08-24. Review status: criteria provided, single submitter. Criteria: ACMG Guidelines, 2015. Collection method: clinical testing. Allele origin: germline.
Comment: The SMPD1 c.38C>T variant is predicted to result in the amino acid substitution p.Ser13Leu. To our knowledge, this variant has not been reported in the literature. This variant is reported in 0.0018% of alleles in individuals of European (Non-Finnish) descent in gnomAD. At this time, the clinical significance of this variant is uncertain due to the absence of conclusive functional and genetic evidence.

Blueprint Genetics
Classification: Likely benign. Last evaluated: 2023-08-11. Review status: criteria provided, single submitter. Criteria: ACMG Guidelines, 2015. Collection method: clinical testing. Allele origin: germline.

Labcorp Genetics (formerly Invitae), Labcorp
Classification: Likely benign for Niemann-Pick disease, type B; Niemann-Pick disease, type A. Last evaluated: 2023-07-07. Review status: criteria provided, single submitter. Criteria: Invitae Variant Classification Sherloc (09022015). Collection method: clinical testing. Allele origin: germline.